The following is an entry in ClinVar:

ClinVar aggregate classification (germline): Uncertain significance (1 of 4 stars; one submission).

Conditions:
Desbuquois dysplasia 1 (DBQD1). Also called: DESBUQUOIS DYSPLASIA 1, KIM VARIANT; MICROMELIC DWARFISM WITH VERTEBRAL AND METAPHYSEAL ABNORMALITIES AND ADVANCED CARPOTARSAL OSSIFICATION. Identifiers: Orphanet 1425, MedGen C4012146, MONDO:0009629, OMIM 251450.

Submission:

Labcorp Genetics (formerly Invitae), Labcorp
Classification: Uncertain significance for Desbuquois dysplasia 1. Last evaluated: 2025-01-27. Review status: criteria provided, single submitter. Criteria: Invitae Variant Classification Sherloc (09022015). Collection method: clinical testing. Allele origin: germline.
Comment: This sequence change replaces arginine, which is basic and polar, with leucine, which is neutral and non-polar, at codon 662 of the XYLT1 protein (p.Arg662Leu). This variant is not present in population databases (gnomAD no frequency). This variant has not been reported in the literature in individuals affected with XYLT1-related conditions. ClinVar contains an entry for this variant (Variation ID: 2819463). Invitae Evidence Modeling of protein sequence and biophysical properties (such as structural, functional, and spatial information, amino acid conservation, physicochemical variation, residue mobility, and thermodynamic stability) indicates that this missense variant is not expected to disrupt XYLT1 protein function with a negative predictive value of 80%. In summary, the available evidence is currently insufficient to determine the role of this variant in disease. Therefore, it has been classified as a Variant of Uncertain Significance.

NM_022166.4(XYLT1):c.1985G>T (p.Arg662Leu)

Genes: XYLT1 (xylosyltransferase 1; minus strand), LOC102723692 (uncharacterized LOC102723692; plus strand). Cytogenetic location: 16p12.3.
Variant type: single nucleotide variant.
Coding change: c.1985G>T on transcript NM_022166.4 (MANE Select); coding-DNA position 1985, G replaced by T.
Protein change: p.Arg662Leu; replaces arginine 662 with leucine.
Molecular consequence: missense variant. On other transcripts: non-coding transcript variant (1).
Genome position (GRCh38, 1-based): chr16:17,134,515, C>A on the plus strand (G>T on the coding strand, the complement: XYLT1 is on the minus strand). VCF-style: chr16-17134515-C-A. GRCh37 (hg19) VCF-style: chr16-17228372-C-A.
Other names: short protein forms R662L.
Identifiers: ClinVar variation 2819463 (VCV002819463.3), dbSNP rs190383164, ClinGen allele CA395219392.